The following is an entry in ClinVar:

ClinVar aggregate classification (germline): Uncertain significance. Review status: criteria provided, multiple submitters, no conflicts (2 of 4 stars). 2 submissions from 2 submitters: Uncertain significance (2). Last evaluated 2025-10-23.

Allele frequency attached by ClinVar (database versions not stated): gnomAD exomes below 0.00001; TOPMed 0.00001.
gnomAD v4.1: 1 of 1,613,664 alleles (0.000062%); highest among the groups gnomAD compares: Non-Finnish European, 0.000085%; no homozygotes.

Submissions (2):

Women's Health and Genetics/Laboratory Corporation of America, LabCorp
Classification: Uncertain significance. Last evaluated: 2025-10-23. Review status: criteria provided, single submitter. Criteria: LabCorp Variant Classification Summary - May 2015. Collection method: clinical testing. Allele origin: germline.
Comment: Variant summary: COL12A1 c.7627G>C (p.Glu2543Gln) results in a conservative amino acid change in the encoded protein sequence. Algorithms developed to predict the effect of missense changes on protein structure and function are either unavailable or do not agree on the potential impact of this missense change. The variant was absent in 248698 control chromosomes. The available data on variant occurrences in the general population are insufficient to allow any conclusion about variant significance. To our knowledge, no occurrence of c.7627G>C in individuals affected with COL12A1-related conditions and no experimental evidence demonstrating its impact on protein function have been reported. ClinVar contains an entry for this variant (Variation ID: 1326714). Based on the evidence outlined above, the variant was classified as uncertain significance.

GeneDx
Classification: Uncertain significance. Last evaluated: 2025-05-24. Review status: criteria provided, single submitter. Criteria: GeneDx Variant Classification Process June 2021. Collection method: clinical testing. Allele origin: germline. Affected: yes.
Comment: Not observed at significant frequency in large population cohorts (gnomAD); In silico analysis suggests that this missense variant does not alter protein structure/function; Has not been previously published as pathogenic or benign to our knowledge

NM_004370.6(COL12A1):c.7627G>C (p.Glu2543Gln)

Gene: COL12A1 (collagen type XII alpha 1 chain; minus strand). Cytogenetic location: 6q13.
Variant type: single nucleotide variant.
Coding change: c.7627G>C on transcript NM_004370.6 (MANE Select); coding-DNA position 7627, G replaced by C.
Protein change: p.Glu2543Gln; replaces glutamic acid 2543 with glutamine.
Molecular consequence: missense variant.
Genome position (GRCh38, 1-based): chr6:75,115,854, C>G on the plus strand (G>C on the coding strand, the complement: COL12A1 is on the minus strand). VCF-style: chr6-75115854-C-G. GRCh37 (hg19) VCF-style: chr6-75825570-C-G.
Other names: c.4135G>C, p.Glu1379Gln (NM_080645.3); short protein forms E1379Q, E2543Q.
Identifiers: ClinVar variation 1326714 (VCV001326714.4), dbSNP rs1361188088, ClinGen allele CA364745174.
Genomic context (GRCh38, chr6:75,115,854, plus strand): 5'-GATTCACAAACGCATTCTTCTGAATCCTGTATGCTGAGTAGCTGGGGAAAGACCCTGACT[C>G]CAAAGATACTCCTTGTACAGAAGCAAAATTCTTTTCTGTCAGGTTGTATGCTTCAAGCAT-3'
Protein context (NP_004361.3, residues 2533-2553): NFASVQGVSL[Glu2543Gln]SGSFPSYSAY